The following is an entry in ClinVar:

ClinVar aggregate classification (germline): Uncertain significance (1 of 4 stars; one submission).

Conditions:
Hereditary spastic paraplegia 30. Identifiers: Orphanet 101010, MedGen C5235139, MONDO:0012476.

Submission:

Baylor Genetics
Classification: Uncertain significance for Spastic paraplegia 30A, autosomal dominant. Last evaluated: 2019-01-11. Review status: criteria provided, single submitter. Criteria: ACMG Guidelines, 2015. Collection method: clinical testing. Allele origin: unknown. Affected: yes.
Comment: This variant was determined to be of uncertain significance according to ACMG Guidelines, 2015 [PMID:25741868].

NM_001244008.2(KIF1A):c.5051A>G (p.His1684Arg)

Gene: KIF1A (kinesin family member 1A; minus strand). Cytogenetic location: 2q37.3.
Variant type: single nucleotide variant.
Coding change: c.5051A>G on transcript NM_001244008.2 (MANE Select); coding-DNA position 5051, A replaced by G.
Protein change: p.His1684Arg; replaces histidine 1684 with arginine.
Molecular consequence: missense variant.
Genome position (GRCh38, 1-based): chr2:240,719,169, T>C on the plus strand (A>G on the coding strand, the complement: KIF1A is on the minus strand). VCF-style: chr2-240719169-T-C. GRCh37 (hg19) VCF-style: chr2-241658586-T-C.
Other names: c.4775A>G, p.His1592Arg (NM_001320705.2, NM_001379649.1); c.4802A>G, p.His1601Arg (NM_001330289.2); c.4850A>G, p.His1617Arg (NM_001330290.2, NM_001379648.1); c.5126A>G, p.His1709Arg (NM_001379631.1); c.5027A>G, p.His1676Arg (NM_001379632.1); c.5024A>G, p.His1675Arg (NM_001379633.1, NM_001379645.1); c.4877A>G, p.His1626Arg (NM_001379634.1); c.4874A>G, p.His1625Arg (NM_001379635.1, NM_001379646.1); and 7 more; short protein forms H1582R, H1591R, H1601R, H1675R, H1684R, H1583R, H1600R, H1621R.
Identifiers: ClinVar variation 1028216 (VCV001028216.1), dbSNP rs2044948828, ClinGen allele CA351298857.